The following is an entry in ClinVar:

NM_024529.5(CDC73):c.35A>G (p.Asn12Ser)

Gene: CDC73 (cell division cycle 73; plus strand). Cytogenetic location: 1q31.2.
Variant type: single nucleotide variant.
Coding change: c.35A>G on transcript NM_024529.5 (MANE Select); coding-DNA position 35, A replaced by G.
Protein change: p.Asn12Ser; replaces asparagine 12 with serine.
Molecular consequence: missense variant.
Genome position (GRCh38, 1-based): chr1:193,122,235, A>G. VCF-style: chr1-193122235-A-G. GRCh37 (hg19) VCF-style: chr1-193091365-A-G.
Other names: short protein forms N12S.
Identifiers: ClinVar variation 3488530 (VCV003488530.1).
Genomic context (GRCh38, chr1:193,122,235, plus strand): 5'-AGCCGGCGGAGGCGAGGGGGGGGAAGATGGCGGACGTGCTTAGCGTCCTGCGACAGTACA[A>G]CATCCAGAAGAAGGAGATTGTGGTGAAGGGAGACGAAGTGATCTTCGGGGAGTTCTCCTG-3'
Protein context (NP_078805.3, residues 2-22): ADVLSVLRQY[Asn12Ser]IQKKEIVVKG

ClinVar aggregate classification (germline): Uncertain significance (1 of 4 stars; one submission).

Conditions:
Hereditary cancer-predisposing syndrome. Also called: Tumor predisposition; Neoplastic Syndromes, Hereditary; Hereditary Cancer Syndrome; Hereditary neoplastic syndrome. Identifiers: Orphanet 140162, MedGen C0027672, MeSH D009386, MONDO:0015356.

Submission:

Ambry Genetics
Classification: Uncertain significance for Hereditary cancer-predisposing syndrome. Last evaluated: 2024-10-24. Review status: criteria provided, single submitter. Criteria: Ambry Variant Classification Scheme 2023. Collection method: clinical testing. Allele origin: germline.
Comment: The p.N12S variant (also known as c.35A>G), located in coding exon 1 of the CDC73 gene, results from an A to G substitution at nucleotide position 35. The asparagine at codon 12 is replaced by serine, an amino acid with highly similar properties. This amino acid position is conserved. In addition, this alteration is predicted to be tolerated by in silico analysis. Based on the available evidence, the clinical significance of this variant remains unclear.